The following is an entry in ClinVar:

ClinVar aggregate classification (germline): Likely pathogenic. Review status: reviewed by expert panel (3 of 4 stars). 2 submissions from 2 submitters: Likely pathogenic (1). 1 of the submissions does not count toward it. Last evaluated 2021-02-14.

Conditions:
Phenylketonuria (PKU). Also called: Phenylketonuria (PKU); FOLLING DISEASE; OLIGOPHRENIA PHENYLPYRUVICA; Phenylketonurias. Identifiers: Orphanet 716, MedGen C0031485, MONDO:0009861, OMIM 261600. Disease mechanism: loss of function.

Submissions (2):

ClinGen PAH Variant Curation Expert Panel
Classification: Likely pathogenic for Phenylketonuria. Last evaluated: 2021-02-14. Review status: reviewed by expert panel. Criteria: ClinGen PAH ACMG Specifications v1. Collection method: curation. Allele origin: germline. Inheritance: Autosomal recessive inheritance.
Comment: The c.728G>T (p.Arg243Leu) variant in PAH has been reported in 1 individual with PKU detected with pathogenic variant p.R261Q (P 9 submitters) PMID: 12655553, 20217238. This variant is absent in population databases. Computational evidence supports a deleterious effect. Another missense change at the same amino acid,p .Arg243Gln, is pathogenic in ClinVar by multiple submitters (variation ID 591). In summary, this variant meets criteria to be classified as likely pathogenic for PAH. PAH-specific ACMG/AMP criteria applied: PP4, PM2, PM3, PM5, PP3.

DeBelle Laboratory for Biochemical Genetics, MUHC/MCH RESEARCH INSTITUTE
No classification provided. Review status: no classification provided. Collection method: not provided. Allele origin: not provided. Not counted in ClinVar's aggregate classification.

Literature cited by the submitters: PubMed 12655553 (cited by ClinGen PAH Variant Curation Expert Panel).

NM_000277.3(PAH):c.728G>T (p.Arg243Leu)

Gene: PAH (phenylalanine hydroxylase; minus strand). Cytogenetic location: 12q23.2.
Variant type: single nucleotide variant.
Coding change: c.728G>T on transcript NM_000277.3 (MANE Select); coding-DNA position 728, G replaced by T.
Protein change: p.Arg243Leu; replaces arginine 243 with leucine.
Molecular consequence: missense variant.
Genome position (GRCh38, 1-based): chr12:102,852,929, C>A on the plus strand (G>T on the coding strand, the complement: PAH is on the minus strand). VCF-style: chr12-102852929-C-A. GRCh37 (hg19) VCF-style: chr12-103246707-C-A.
Other names: c.728G>T, p.Arg243Leu (NM_001354304.2); short protein forms R243L.
Identifiers: ClinVar variation 102808 (VCV000102808.2), dbSNP rs62508588, ClinGen allele CA229719.